The following is an entry in ClinVar:

NM_000535.7(PMS2):c.1750A>G (p.Ile584Val)

Gene: PMS2 (PMS1 homolog 2, mismatch repair system component; minus strand). Cytogenetic location: 7p22.1.
Variant type: single nucleotide variant.
Coding change: c.1750A>G on transcript NM_000535.7 (MANE Select); coding-DNA position 1750, A replaced by G.
Protein change: p.Ile584Val; replaces isoleucine 584 with valine.
Molecular consequence: missense variant. On other transcripts: non-coding transcript variant (1).
Genome position (GRCh38, 1-based): chr7:5,987,015, T>C on the plus strand (A>G on the coding strand, the complement: PMS2 is on the minus strand). VCF-style: chr7-5987015-T-C. GRCh37 (hg19) VCF-style: chr7-6026646-T-C.
Other names: c.1345A>G, p.Ile449Val (NM_001322003.2, NM_001322004.2, NM_001322005.2 and 1 more transcripts); c.1594A>G, p.Ile532Val (NM_001322006.2); c.1432A>G, p.Ile478Val (NM_001322007.2, NM_001322008.2); c.1189A>G, p.Ile397Val (NM_001322010.2); c.817A>G, p.Ile273Val (NM_001322011.2, NM_001322012.2); c.1177A>G, p.Ile393Val (NM_001322013.2); c.1750A>G, p.Ile584Val (NM_001322014.2); c.1441A>G, p.Ile481Val (NM_001322015.2); short protein forms I532V, I584V, I481V, I273V, I397V, I449V, I478V, I393V.
Identifiers: ClinVar variation 941499 (VCV000941499.11), dbSNP rs1782990154, ClinGen allele CA366740040.

ClinVar aggregate classification (germline): Conflicting classifications of pathogenicity. Review status: criteria provided, conflicting classifications (1 of 4 stars). 2 submissions from 2 submitters: Uncertain significance (1); Likely benign (1). Last evaluated 2026-08-17.

Conditions:
Hereditary nonpolyposis colorectal neoplasms. Identifiers: MedGen C0009405, MeSH D003123.
Hereditary cancer-predisposing syndrome. Also called: Neoplastic Syndromes, Hereditary; Hereditary Cancer Syndrome; Tumor predisposition; Hereditary neoplastic syndrome. Identifiers: Orphanet 140162, MedGen C0027672, MeSH D009386, MONDO:0015356.

Submissions (2):

Ambry Genetics
Classification: Likely benign for Hereditary cancer-predisposing syndrome. Last evaluated: 2026-08-17. Review status: criteria provided, single submitter. Criteria: Ambry Variant Classification Scheme 2023. Collection method: clinical testing. Allele origin: germline.

Labcorp Genetics (formerly Invitae), Labcorp
Classification: Uncertain significance for Hereditary nonpolyposis colorectal neoplasms. Last evaluated: 2020-03-09. Review status: criteria provided, single submitter. Criteria: Invitae Variant Classification Sherloc (09022015). Collection method: clinical testing. Allele origin: germline.
Comment: This sequence change replaces isoleucine with valine at codon 584 of the PMS2 protein (p.Ile584Val). The isoleucine residue is weakly conserved and there is a small physicochemical difference between isoleucine and valine. This variant is not present in population databases (ExAC no frequency). This variant has not been reported in the literature in individuals with PMS2-related conditions. Algorithms developed to predict the effect of missense changes on protein structure and function output the following: SIFT: "Tolerated"; PolyPhen-2: "Benign"; Align-GVGD: "Class C0". The valine amino acid residue is found in multiple mammalian species, suggesting that this missense change does not adversely affect protein function. These predictions have not been confirmed by published functional studies and their clinical significance is uncertain. In summary, the available evidence is currently insufficient to determine the role of this variant in disease. Therefore, it has been classified as a Variant of Uncertain Significance.